The following is an entry in ClinVar:

ClinVar aggregate classification (germline): Pathogenic/Likely pathogenic. Review status: criteria provided, multiple submitters, no conflicts (2 of 4 stars). 8 submissions from 8 submitters: Pathogenic (4); Likely pathogenic (3). 1 of the submissions does not count toward it. Last evaluated 2025-06-20.
ClinVar aggregate classification (oncogenicity): Likely oncogenic (1 of 4 stars; one submission).

Conditions:
Hereditary cancer-predisposing syndrome. Also called: Neoplastic Syndromes, Hereditary; Hereditary neoplastic syndrome; Tumor predisposition; Hereditary Cancer Syndrome. Identifiers: Orphanet 140162, MedGen C0027672, MeSH D009386, MONDO:0015356.
Familial cancer of breast. Also called: hereditary breast carcinoma; Hereditary breast cancer; BREAST CANCER, FAMILIAL. Identifiers: Orphanet 227535, MedGen C0346153, MONDO:0016419, OMIM 114480. Disease mechanism: loss of function.
Ataxia-telangiectasia syndrome (AT). Also called: Ataxia telangiectasia (A-T); Cerebello-oculocutaneous telangiectasia; Immunodeficiency with ataxia telangiectasia; LOUIS-BAR SYNDROME; AT, COMPLEMENTATION GROUP C; ATAXIA-TELANGIECTASIA, FRESNO VARIANT. Identifiers: Orphanet 100, MedGen C0004135, MONDO:0008840, OMIM 208900.
Neoplasm. Also called: Neoplasms; Neoplasm (disease); tumor. Identifiers: MedGen C0027651, MeSH D009369, MONDO:0005070, HP:0002664.

Submissions (9):

First Genomix Gene Laboratory, Genetic Diagnostics Department
Classification: Likely pathogenic for Ataxia-telangiectasia syndrome. Last evaluated: 2025-06-20. Review status: criteria provided, single submitter. Criteria: ACMG Guidelines, 2015. Collection method: clinical testing. Allele origin: germline. Inheritance: Autosomal recessive inheritance. Affected: no. Observed: 1 variant allele.

Center for Genomic Medicine, Rigshospitalet, Copenhagen University Hospital
Classification: Likely oncogenic for Neoplasm. Last evaluated: 2025-03-04. Review status: criteria provided, single submitter. Criteria: ClinGen/CGC/VICC Guidelines for Oncogenicity, 2022. Collection method: clinical testing. Allele origin: somatic. Affected: yes.

Fulgent Genetics
Classification: Likely pathogenic for Familial cancer of breast; Ataxia-telangiectasia syndrome. Last evaluated: 2024-06-24. Review status: criteria provided, single submitter. Criteria: ACMG Guidelines, 2015. Collection method: clinical testing. Allele origin: germline.

Myriad Genetics, Inc.
Classification: Pathogenic for Familial cancer of breast. Last evaluated: 2024-01-25. Review status: criteria provided, single submitter. Criteria: Myriad Autosomal Dominant, Autosomal Recessive and X-Linked Classification Criteria (2023). Collection method: clinical testing. Allele origin: unknown.
Comment: This variant is considered pathogenic. This variant creates a termination codon and is predicted to result in premature protein truncation.

Labcorp Genetics (formerly Invitae), Labcorp
Classification: Pathogenic for Ataxia-telangiectasia syndrome. Last evaluated: 2023-09-26. Review status: criteria provided, single submitter. Criteria: Invitae Variant Classification Sherloc (09022015). Collection method: clinical testing. Allele origin: germline.
Comment: This sequence change creates a premature translational stop signal (p.Trp1805*) in the ATM gene. It is expected to result in an absent or disrupted protein product. Loss-of-function variants in ATM are known to be pathogenic (PMID: 23807571, 25614872). This variant is not present in population databases (gnomAD no frequency). This premature translational stop signal has been observed in individual(s) with Lynch syndrome (PMID: 25980754). ClinVar contains an entry for this variant (Variation ID: 246237). For these reasons, this variant has been classified as Pathogenic.

CeGaT Center for Human Genetics Tuebingen
Classification: Likely pathogenic. Last evaluated: 2020-10-01. Review status: criteria provided, single submitter. Criteria: CeGaT Center For Human Genetics Tuebingen Variant Classification Criteria Version 2. Collection method: clinical testing. Allele origin: germline. Affected: yes. Observed: 1 variant allele.

Color Diagnostics, LLC DBA Color Health
Classification: Pathogenic for Hereditary cancer-predisposing syndrome. Last evaluated: 2020-01-15. Review status: criteria provided, single submitter. Criteria: ACMG Guidelines, 2015. Collection method: clinical testing. Allele origin: germline.
Comment: This variant changes 1 nucleotide in exon 36 of the ATM gene, creating a premature translation stop signal. This variant is expected to result in an absent or non-functional protein product. This variant has not been identified in the general population by the Genome Aggregation Database (gnomAD). Loss of ATM function is a known mechanism of disease. Based on the available evidence, this variant is classified as Pathogenic.

GeneDx
Classification: Pathogenic. Last evaluated: 2019-08-12. Review status: criteria provided, single submitter. Criteria: GeneDx Variant Classification Process June 2021. Collection method: clinical testing. Allele origin: germline. Affected: yes.
Comment: Nonsense variant predicted to result in protein truncation or nonsense mediated decay in a gene for which loss-of-function is a known mechanism of disease; Not observed in large population cohorts (Lek 2016); This variant is associated with the following publications: (PMID: 22006793, 25980754)

Counsyl
Classification: Likely pathogenic for Ataxia-telangiectasia syndrome. Last evaluated: 2018-05-11. Review status: no assertion criteria provided. Collection method: clinical testing. Allele origin: unknown. Not counted in ClinVar's aggregate classification.

Literature cited by the submitters: PubMed 23585524 (cited by Center for Genomic Medicine, Rigshospitalet, Copenhagen University Hospital); PubMed 16603769 (cited by Center for Genomic Medicine, Rigshospitalet, Copenhagen University Hospital); PubMed 23807571 (cited by Labcorp Genetics (formerly Invitae), Labcorp); PubMed 25614872 (cited by Labcorp Genetics (formerly Invitae), Labcorp); PubMed 25980754 (cited by Labcorp Genetics (formerly Invitae), Labcorp); PubMed 22006793 (cited by Counsyl).

NM_000051.4(ATM):c.5414G>A (p.Trp1805Ter)

Gene: ATM (ATM serine/threonine kinase; plus strand). Cytogenetic location: 11q22.3.
Variant type: single nucleotide variant.
Coding change: c.5414G>A on transcript NM_000051.4 (MANE Select); coding-DNA position 5414, G replaced by A.
Protein change: p.Trp1805Ter; replaces tryptophan 1805 with a stop codon.
Molecular consequence: nonsense.
Genome position (GRCh38, 1-based): chr11:108,302,947, G>A. VCF-style: chr11-108302947-G-A. GRCh37 (hg19) VCF-style: chr11-108173674-G-A.
Other names: c.5414G>A, p.Trp1805Ter (NM_001351834.2); short protein forms W1805*.
Identifiers: ClinVar variation 246237 (VCV000246237.58), dbSNP rs879254171, ClinGen allele CA10584348.